The following is an entry in ClinVar:

NM_006231.4(POLE):c.1107-5C>G

Gene: POLE (DNA polymerase epsilon, catalytic subunit; minus strand). Cytogenetic location: 12q24.33.
Variant type: single nucleotide variant.
Coding change: c.1107-5C>G on transcript NM_006231.4 (MANE Select); 5 bases into the intron before coding-DNA position 1107, C replaced by G.
Molecular consequence: intron variant.
Genome position (GRCh38, 1-based): chr12:132,675,522, G>C on the plus strand (C>G on the coding strand, the complement: POLE is on the minus strand). VCF-style: chr12-132675522-G-C. GRCh37 (hg19) VCF-style: chr12-133252108-G-C.
Identifiers: ClinVar variation 5027112 (VCV005027112.1).

ClinVar aggregate classification (germline): Uncertain significance (1 of 4 stars; one submission).

Conditions:
Hereditary cancer-predisposing syndrome. Also called: Neoplastic Syndromes, Hereditary; Tumor predisposition; Hereditary neoplastic syndrome; Hereditary Cancer Syndrome. Identifiers: Orphanet 140162, MedGen C0027672, MeSH D009386, MONDO:0015356.

Submission:

Ambry Genetics
Classification: Uncertain significance for Hereditary cancer-predisposing syndrome. Last evaluated: 2026-08-14. Review status: criteria provided, single submitter. Criteria: Ambry Variant Classification Scheme 2023. Collection method: clinical testing. Allele origin: germline.
Comment: The c.1107-5C>G intronic variant results from a C to G substitution 5 nucleotides upstream from coding exon 12 in the POLE gene. This nucleotide position is not well conserved in available vertebrate species. In silico splice site analysis predicts that this alteration will result in the creation or strengthening of a novel splice acceptor site. Based on the available evidence, the clinical significance of this variant remains unclear.